The following is an entry in ClinVar:

ClinVar aggregate classification (germline): Uncertain significance. Review status: criteria provided, multiple submitters, no conflicts (2 of 4 stars). 2 submissions from 2 submitters: Uncertain significance (2). Last evaluated 2025-11-07.

Conditions:
Inborn genetic diseases. Identifiers: MedGen C0950123, MeSH D030342.

Allele frequency attached by ClinVar (database versions not stated): gnomAD exomes below 0.00001 and 0.00001.
gnomAD v4.1: 4 of 1,613,862 alleles (0.00025%); highest among the groups gnomAD compares: Non-Finnish European, 0.00034%; no homozygotes.

Submissions (2):

Ambry Genetics
Classification: Uncertain significance for Inborn genetic diseases. Last evaluated: 2025-11-07. Review status: criteria provided, single submitter. Criteria: Ambry Variant Classification Scheme 2023. Collection method: clinical testing. Allele origin: germline.

Labcorp Genetics (formerly Invitae), Labcorp
Classification: Uncertain significance. Last evaluated: 2024-06-17. Review status: criteria provided, single submitter. Criteria: Invitae Variant Classification Sherloc (09022015). Collection method: clinical testing. Allele origin: germline.
Comment: This sequence change replaces proline, which is neutral and non-polar, with alanine, which is neutral and non-polar, at codon 2107 of the HIVEP2 protein (p.Pro2107Ala). This variant is present in population databases (no rsID available, gnomAD 0.0009%). This variant has not been reported in the literature in individuals affected with HIVEP2-related conditions. ClinVar contains an entry for this variant (Variation ID: 1477594). An algorithm developed to predict the effect of missense changes on protein structure and function (PolyPhen-2) suggests that this variant is likely to be disruptive. In summary, the available evidence is currently insufficient to determine the role of this variant in disease. Therefore, it has been classified as a Variant of Uncertain Significance.

NM_006734.4(HIVEP2):c.6319C>G (p.Pro2107Ala)

Gene: HIVEP2 (HIVEP zinc finger 2; minus strand). Cytogenetic location: 6q24.2.
Variant type: single nucleotide variant.
Coding change: c.6319C>G on transcript NM_006734.4 (MANE Select); coding-DNA position 6319, C replaced by G.
Protein change: p.Pro2107Ala; replaces proline 2107 with alanine.
Molecular consequence: missense variant.
Genome position (GRCh38, 1-based): chr6:142,759,969, G>C on the plus strand (C>G on the coding strand, the complement: HIVEP2 is on the minus strand). VCF-style: chr6-142759969-G-C. GRCh37 (hg19) VCF-style: chr6-143081106-G-C.
Other names: c.6319C>G (NM_006734.3); short protein forms P2107A.
Identifiers: ClinVar variation 1477594 (VCV001477594.7), dbSNP rs1202225589, ClinGen allele CA365886998.